The following is an entry in ClinVar:

ClinVar aggregate classification (germline): Benign. Review status: criteria provided, multiple submitters, no conflicts (2 of 4 stars). 4 submissions from 4 submitters: Benign (3). 1 of the submissions does not count toward it. Last evaluated 2026-02-03.

Conditions:
PCLO-related disorder. Also called: PCLO-related condition.

Allele frequency attached by ClinVar (database versions not stated): 1000 Genomes Project 30x 0.00703; 1000 Genomes Project 0.00779; TOPMed 0.01567; gnomAD 0.01904 and 0.02000; ESP Exome Variant Server 0.01982; ExAC 0.02664.
gnomAD v4.1: 38,274 of 1,609,636 alleles (2.4%); highest among the groups gnomAD compares: Non-Finnish European, 2.7%; 566 homozygotes.

Submissions (4):

Labcorp Genetics (formerly Invitae), Labcorp
Classification: Benign. Last evaluated: 2026-02-03. Review status: criteria provided, single submitter. Criteria: Invitae Variant Classification Sherloc (09022015). Collection method: clinical testing. Allele origin: germline.

Blueprint Genetics
Classification: Benign. Last evaluated: 2024-11-27. Review status: criteria provided, single submitter. Criteria: ACMG Guidelines, 2015. Collection method: clinical testing. Allele origin: germline.

Breakthrough Genomics
Classification: Benign. Review status: criteria provided, single submitter. Criteria: ACMG Guidelines, 2015. Collection method: not provided. Allele origin: germline. Inheritance: Autosomal recessive inheritance. Affected: yes.

PreventionGenetics, part of Exact Sciences
Classification: Benign for PCLO-related condition. Last evaluated: 2019-07-08. Review status: no assertion criteria provided. Collection method: clinical testing. Allele origin: germline. Not counted in ClinVar's aggregate classification.
Comment: This variant is classified as benign based on ACMG/AMP sequence variant interpretation guidelines (Richards et al. 2015 PMID: 25741868, with internal and published modifications).

NM_033026.6(PCLO):c.12792G>A (p.Leu4264=)

Gene: PCLO (piccolo presynaptic cytomatrix protein; minus strand). Cytogenetic location: 7q21.11.
Variant type: single nucleotide variant.
Coding change: c.12792G>A on transcript NM_033026.6 (MANE Select); coding-DNA position 12792, G replaced by A.
Protein change: p.Leu4264=; no amino-acid change (leucine 4264 retained).
Molecular consequence: synonymous variant.
Genome position (GRCh38, 1-based): chr7:82,915,194, C>T on the plus strand (G>A on the coding strand, the complement: PCLO is on the minus strand). VCF-style: chr7-82915194-C-T. GRCh37 (hg19) VCF-style: chr7-82544510-C-T.
Other names: c.12792G>A, p.Leu4264= (NM_014510.3); c.12792G>A (NM_033026.5).
Identifiers: ClinVar variation 1586053 (VCV001586053.12), dbSNP rs61995908, ClinGen allele CA4319308.
Genomic context (GRCh38, chr7:82,915,194, plus strand): 5'-ACTGTATGGCTTATCCGCTTCATCCTGCAGAGCTGAGCGTATGGTATTTCCTAATGTGCC[C>T]AGTCCTGTGCCAAGAGAAGATCCCATAAATTTTTGTTGGTCTGTAATATTTTTTCTGAGG-3'
Protein context (NP_149015.2, residues 4254-4274): KFMGSSLGTG[Leu4264=]GTLGNTIRSA